The following is an entry in ClinVar:

ClinVar aggregate classification (germline): Likely benign (0 of 4 stars; one submission).

Conditions:
PKD1-related disorder. Also called: PKD1-related condition.

Allele frequency attached by ClinVar (database versions not stated): gnomAD exomes below 0.00001.

Submission:

PreventionGenetics, part of Exact Sciences
Classification: Likely benign for PKD1-related condition. Last evaluated: 2023-09-22. Review status: no assertion criteria provided. Collection method: clinical testing. Allele origin: germline.
Comment: This variant is classified as likely benign based on ACMG/AMP sequence variant interpretation guidelines (Richards et al. 2015 PMID: 25741868, with internal and published modifications).

NM_001009944.3(PKD1):c.3432C>T (p.Val1144=)

Gene: PKD1 (polycystin 1, transient receptor potential channel interacting; minus strand). Cytogenetic location: 16p13.3.
Variant type: single nucleotide variant.
Coding change: c.3432C>T on transcript NM_001009944.3 (MANE Select); coding-DNA position 3432, C replaced by T.
Protein change: p.Val1144=; no amino-acid change (valine 1144 retained).
Molecular consequence: synonymous variant.
Genome position (GRCh38, 1-based): chr16:2,111,735, G>A on the plus strand (C>T on the coding strand, the complement: PKD1 is on the minus strand). VCF-style: chr16-2111735-G-A. GRCh37 (hg19) VCF-style: chr16-2161736-G-A.
Other names: c.3432C>T, p.Val1144= (NM_000296.4).
Identifiers: ClinVar variation 3031678 (VCV003031678.2), dbSNP rs1156650794, ClinGen allele CA493050017.